The following is an entry in ClinVar:

ClinVar aggregate classification (germline): Uncertain significance (1 of 4 stars; one submission).

Conditions:
Multiple epiphyseal dysplasia type 4 (EDM4). Also called: SLC26A2-Related Multiple Epiphyseal Dysplasia; Multiple Epiphyseal Dysplasia, Recessive; MULTIPLE EPIPHYSEAL DYSPLASIA WITH BILAYERED PATELLAE; MULTIPLE EPIPHYSEAL DYSPLASIA WITH CLUBFOOT; MULTIPLE EPIPHYSEAL DYSPLASIA, AUTOSOMAL RECESSIVE. Identifiers: Orphanet 93307, MedGen C1847593, MONDO:0009189, OMIM 226900.
Achondrogenesis, type IB (ACG1B). Also called: Achondrogenesis Type 1B. Identifiers: Orphanet 932, Orphanet 93298, MedGen C0265274, MONDO:0010966, OMIM 600972.
Diastrophic dysplasia (DTD). Also called: Diastrophic dwarfism. Identifiers: Orphanet 628, MedGen C0220726, MONDO:0009107, OMIM 222600.
Atelosteogenesis type II (AO2). Also called: SLC26A2-Related Atelosteogenesis; NEONATAL OSSEOUS DYSPLASIA I; Neonatal osseous dysplasia 1. Identifiers: Orphanet 56304, MedGen C1850554, MONDO:0009727, OMIM 256050.

Allele frequency attached by ClinVar (database versions not stated): gnomAD 0.00001.
gnomAD v4.1: 1 of 1,613,984 alleles (0.000062%); highest among the groups gnomAD compares: South Asian, 0.0011%; no homozygotes.

Submission:

Labcorp Genetics (formerly Invitae), Labcorp
Classification: Uncertain significance for Atelosteogenesis type II; Multiple epiphyseal dysplasia type 4; Achondrogenesis, type IB; Diastrophic dysplasia. Last evaluated: 2021-05-03. Review status: criteria provided, single submitter. Criteria: Invitae Variant Classification Sherloc (09022015). Collection method: clinical testing. Allele origin: germline.
Comment: Advanced modeling of protein sequence and biophysical properties (such as structural, functional, and spatial information, amino acid conservation, physicochemical variation, residue mobility, and thermodynamic stability) performed at Invitae indicates that this missense variant is expected to disrupt SLC26A2 protein function. In summary, the available evidence is currently insufficient to determine the role of this variant in disease. Therefore, it has been classified as a Variant of Uncertain Significance. This sequence change replaces proline with leucine at codon 278 of the SLC26A2 protein (p.Pro278Leu). The proline residue is highly conserved and there is a moderate physicochemical difference between proline and leucine. This variant is not present in population databases (ExAC no frequency). This variant has not been reported in the literature in individuals with SLC26A2-related conditions.

NM_000112.4(SLC26A2):c.833C>T (p.Pro278Leu)

Gene: SLC26A2 (solute carrier family 26 member 2; plus strand). Cytogenetic location: 5q32.
Variant type: single nucleotide variant.
Coding change: c.833C>T on transcript NM_000112.4 (MANE Select); coding-DNA position 833, C replaced by T.
Protein change: p.Pro278Leu; replaces proline 278 with leucine.
Molecular consequence: missense variant.
Genome position (GRCh38, 1-based): chr5:149,980,426, C>T. VCF-style: chr5-149980426-C-T. GRCh37 (hg19) VCF-style: chr5-149359989-C-T.
Other names: short protein forms P278L.
Identifiers: ClinVar variation 1518289 (VCV001518289.8), dbSNP rs1755072978, ClinGen allele CA361706392.
Genomic context (GRCh38, chr5:149,980,426, plus strand): 5'-CTGGTGCCTCCTTCACTATTCTTACATCTCAGGCCAAGTATCTTCTTGGGCTCAACCTTC[C>T]TCGGACTAATGGTGTGGGCTCACTCATCACTACCTGGATACATGTCTTCAGAAACATCCA-3'
Protein context (NP_000103.2, residues 268-288): QAKYLLGLNL[Pro278Leu]RTNGVGSLIT